The following is an entry in ClinVar:

ClinVar aggregate classification (germline): Likely pathogenic (1 of 4 stars; one submission).

Submission:

GeneDx
Classification: Likely pathogenic. Last evaluated: 2023-09-13. Review status: criteria provided, single submitter. Criteria: GeneDx Variant Classification Process June 2021. Collection method: clinical testing. Allele origin: germline. Affected: yes.
Comment: Observed as an apparently de novo variant in an individual with an autism phenotype; however this individual also harbored a de novo variant in another gene and minimal additional clinical details were provided (Kosmicki et al., 2017); Not observed at significant frequency in large population cohorts (gnomAD); Missense variants in this gene are often considered pathogenic (HGMD); In silico analysis supports that this missense variant has a deleterious effect on protein structure/function; This variant is associated with the following publications: (PMID: 35937981, 28191890, 35982159)

NM_006306.4(SMC1A):c.1903C>T (p.Arg635Cys)

Gene: SMC1A (structural maintenance of chromosomes 1A; minus strand). Cytogenetic location: Xp11.22.
Variant type: single nucleotide variant.
Coding change: c.1903C>T on transcript NM_006306.4 (MANE Select); coding-DNA position 1903, C replaced by T.
Protein change: p.Arg635Cys; replaces arginine 635 with cysteine.
Molecular consequence: missense variant.
Genome position (GRCh38, 1-based): chrX:53,405,501, G>A on the plus strand (C>T on the coding strand, the complement: SMC1A is on the minus strand). VCF-style: chrX-53405501-G-A. GRCh37 (hg19) VCF-style: chrX-53432433-G-A.
Other names: c.1837C>T, p.Arg613Cys (NM_001281463.1); short protein forms R613C, R635C.
Identifiers: ClinVar variation 1185985 (VCV001185985.4), dbSNP rs2146599714, ClinGen allele CA413252693.